The following is an entry in ClinVar:

NM_004655.4(AXIN2):c.58G>C (p.Asp20His)

Gene: AXIN2 (axin 2; minus strand). Cytogenetic location: 17q24.1.
Variant type: single nucleotide variant.
Coding change: c.58G>C on transcript NM_004655.4 (MANE Select); coding-DNA position 58, G replaced by C.
Protein change: p.Asp20His; replaces aspartic acid 20 with histidine.
Molecular consequence: missense variant.
Genome position (GRCh38, 1-based): chr17:65,558,563, C>G on the plus strand (G>C on the coding strand, the complement: AXIN2 is on the minus strand). VCF-style: chr17-65558563-C-G. GRCh37 (hg19) VCF-style: chr17-63554681-C-G.
Other names: c.58G>C, p.Asp20His (NM_001363813.1); c.58G>C (LRG_296t1); short protein forms D20H.
Identifiers: ClinVar variation 464631 (VCV000464631.11), dbSNP rs768267292, ClinGen allele CA400682329.

ClinVar aggregate classification (germline): Uncertain significance. Review status: criteria provided, multiple submitters, no conflicts (2 of 4 stars). 2 submissions from 2 submitters: Uncertain significance (2). Last evaluated 2022-08-07.

Conditions:
Oligodontia-cancer predisposition syndrome. Also called: TOOTH AGENESIS-COLORECTAL CANCER SYNDROME. Identifiers: Orphanet 300576, MedGen C1837750, MONDO:0012075, OMIM 608615. Disease mechanism: loss of function.
Hereditary cancer-predisposing syndrome. Also called: Neoplastic Syndromes, Hereditary; Tumor predisposition; Hereditary Cancer Syndrome; Hereditary neoplastic syndrome. Identifiers: Orphanet 140162, MedGen C0027672, MeSH D009386, MONDO:0015356.

Submissions (2):

Ambry Genetics
Classification: Uncertain significance for Hereditary cancer-predisposing syndrome. Last evaluated: 2022-08-07. Review status: criteria provided, single submitter. Criteria: Ambry Variant Classification Scheme 2023. Collection method: clinical testing. Allele origin: germline.
Comment: The p.D20H variant (also known as c.58G>C), located in coding exon 1 of the AXIN2 gene, results from a G to C substitution at nucleotide position 58. The aspartic acid at codon 20 is replaced by histidine, an amino acid with similar properties. This amino acid position is conserved. In addition, the in silico prediction for this alteration is inconclusive. Since supporting evidence is limited at this time, the clinical significance of this alteration remains unclear.

Labcorp Genetics (formerly Invitae), Labcorp
Classification: Uncertain significance for Oligodontia-cancer predisposition syndrome. Last evaluated: 2017-07-06. Review status: criteria provided, single submitter. Criteria: Invitae Variant Classification Sherloc (09022015). Collection method: clinical testing. Allele origin: germline.
Comment: In summary, this variant has uncertain impact on AXIN2 function. The available evidence is currently insufficient to determine its role in disease. Therefore, it has been classified as a Variant of Uncertain Significance. Algorithms developed to predict the effect of missense changes on protein structure and function do not agree on the potential impact of this missense change (SIFT: "Deleterious"; PolyPhen-2: "Probably Damaging"; Align-GVGD: "Class C0"). This variant has not been reported in the literature in individuals with a AXIN2-related disease. This variant is not present in population databases (ExAC no frequency). This sequence change replaces aspartic acid with histidine at codon 20 of the AXIN2 protein (p.Asp20His). The aspartic acid residue is highly conserved and there is a moderate physicochemical difference between aspartic acid and histidine.